The following is an entry in ClinVar:

ClinVar aggregate classification (germline): Uncertain significance (1 of 4 stars; one submission).

Conditions:
Neurodegeneration with brain iron accumulation 5 (NBIA5). Also called: STATIC ENCEPHALOPATHY OF CHILDHOOD WITH NEURODEGENERATION IN ADULTHOOD; Beta-propeller protein-associated neurodegeneration. Identifiers: Orphanet 329284, MedGen C3550973, MONDO:0010476, OMIM 300894.

gnomAD v4.1: 1 of 1,211,120 alleles (0.000083%); highest among the groups gnomAD compares: Non-Finnish European, 0.00011%; no homozygotes.

Submission:

Labcorp Genetics (formerly Invitae), Labcorp
Classification: Uncertain significance for Neurodegeneration with brain iron accumulation 5. Last evaluated: 2024-06-10. Review status: criteria provided, single submitter. Criteria: Invitae Variant Classification Sherloc (09022015). Collection method: clinical testing. Allele origin: germline.
Comment: This sequence change affects codon 277 of the WDR45 mRNA. It is a 'silent' change, meaning that it does not change the encoded amino acid sequence of the WDR45 protein. It affects a nucleotide within the consensus splice site. This variant is not present in population databases (gnomAD no frequency). This variant has not been reported in the literature in individuals affected with WDR45-related conditions. Algorithms developed to predict the effect of sequence changes on RNA splicing suggest that this variant may disrupt the consensus splice site. In summary, the available evidence is currently insufficient to determine the role of this variant in disease. Therefore, it has been classified as a Variant of Uncertain Significance.

NM_001029896.2(WDR45):c.828G>A (p.Ala276=)

Gene: WDR45 (WD repeat domain 45; minus strand). Cytogenetic location: Xp11.23.
Variant type: single nucleotide variant.
Coding change: c.828G>A on transcript NM_001029896.2 (MANE Select); coding-DNA position 828, G replaced by A.
Protein change: p.Ala276=; no amino-acid change (alanine 276 retained).
Molecular consequence: synonymous variant.
Genome position (GRCh38, 1-based): chrX:49,075,281, C>T on the plus strand (G>A on the coding strand, the complement: WDR45 is on the minus strand). VCF-style: chrX-49075281-C-T. GRCh37 (hg19) VCF-style: chrX-48932940-C-T.
Other names: c.831G>A, p.Ala277= (NM_007075.4).
Identifiers: ClinVar variation 3656102 (VCV003656102.2).